The following is an entry in ClinVar:

ClinVar aggregate classification (germline): Uncertain significance (1 of 4 stars; one submission).

gnomAD v4.1: 2 of 1,613,994 alleles (0.00012%); highest among the groups gnomAD compares: Non-Finnish European, 0.00017%; no homozygotes.

Submission:

Labcorp Genetics (formerly Invitae), Labcorp
Classification: Uncertain significance. Last evaluated: 2025-07-14. Review status: criteria provided, single submitter. Criteria: Invitae Variant Classification Sherloc (09022015). Collection method: clinical testing. Allele origin: germline.
Comment: This sequence change replaces aspartic acid, which is acidic and polar, with histidine, which is basic and polar, at codon 642 of the USH2A protein (p.Asp642His). This variant is not present in population databases (gnomAD no frequency). This variant has not been reported in the literature in individuals affected with USH2A-related conditions. ClinVar contains an entry for this variant (Variation ID: 1378141). Invitae Evidence Modeling of protein sequence and biophysical properties (such as structural, functional, and spatial information, amino acid conservation, physicochemical variation, residue mobility, and thermodynamic stability) indicates that this missense variant is not expected to disrupt USH2A protein function with a negative predictive value of 95%. In summary, the available evidence is currently insufficient to determine the role of this variant in disease. Therefore, it has been classified as a Variant of Uncertain Significance.

NM_206933.4(USH2A):c.1924G>C (p.Asp642His)

Gene: USH2A (usherin; minus strand). Cytogenetic location: 1q41.
Variant type: single nucleotide variant.
Coding change: c.1924G>C on transcript NM_206933.4 (MANE Select); coding-DNA position 1924, G replaced by C.
Protein change: p.Asp642His; replaces aspartic acid 642 with histidine.
Molecular consequence: missense variant.
Genome position (GRCh38, 1-based): chr1:216,289,327, C>G on the plus strand (G>C on the coding strand, the complement: USH2A is on the minus strand). VCF-style: chr1-216289327-C-G. GRCh37 (hg19) VCF-style: chr1-216462669-C-G.
Other names: c.1924G>C, p.Asp642His (NM_007123.6); short protein forms D642H.
Identifiers: ClinVar variation 1378141 (VCV001378141.4), dbSNP rs1363062252, ClinGen allele CA344902713.